The following is an entry in ClinVar:

NM_005996.4(TBX3):c.53A>G (p.His18Arg)

Genes: TBX3 (T-box transcription factor 3; minus strand), TBX3-AS1 (TBX3 antisense RNA 1; plus strand). Cytogenetic location: 12q24.21.
Variant type: single nucleotide variant.
Coding change: c.53A>G on transcript NM_005996.4 (MANE Select); coding-DNA position 53, A replaced by G.
Protein change: p.His18Arg; replaces histidine 18 with arginine.
Molecular consequence: missense variant.
Genome position (GRCh38, 1-based): chr12:114,683,148, T>C on the plus strand (A>G on the coding strand, the complement: TBX3 is on the minus strand). VCF-style: chr12-114683148-T-C. GRCh37 (hg19) VCF-style: chr12-115120953-T-C.
Other names: c.53A>G, p.His18Arg (NM_016569.4); short protein forms H18R.
Identifiers: ClinVar variation 3348711 (VCV003348711.4).
Genomic context (GRCh38, chr12:114,683,148, plus strand): 5'-GGCTGGTGACCCAGCACCGCGCTCATGGCGAAGTCCGGCGCCCGGTGAGGTAGGAACGGA[T>C]GGTAGGCCATGCTTGTCCCAGGAATGACCGGATCTCTCATGGAGAGGCTCATCCACTCCA-3'
Protein context (NP_005987.3, residues 8-28): PVIPGTSMAY[His18Arg]PFLPHRAPDF

ClinVar aggregate classification (germline): Uncertain significance. Review status: criteria provided, multiple submitters, no conflicts (2 of 4 stars). 2 submissions from 2 submitters: Uncertain significance (2). Last evaluated 2026-09-14.

Conditions:
TBX3-related disorder. Also called: TBX3-related condition.
Ulnar-mammary syndrome (UMS). Also called: SCHINZEL SYNDROME; PALLISTER ULNAR-MAMMARY SYNDROME; Ulnar-mammary syndrome of Pallister. Identifiers: Orphanet 3138, MedGen C1866994, MONDO:0008411, OMIM 181450.

Submissions (2):

PreventionGenetics, part of Exact Sciences
Classification: Uncertain significance for TBX3-related condition. Last evaluated: 2026-09-14. Review status: criteria provided, single submitter. Criteria: ACMG Guidelines, 2015. Collection method: clinical testing. Allele origin: germline.
Comment: The TBX3 c.53A>G variant is predicted to result in the amino acid substitution p.His18Arg. To our knowledge, this variant has not been reported in the literature. This variant is reported in 0.0093% of alleles in individuals of European (Finnish) descent in gnomAD. At this time, the clinical significance of this variant is uncertain due to the absence of conclusive functional and genetic evidence.

Labcorp Genetics (formerly Invitae), Labcorp
Classification: Uncertain significance for Ulnar-mammary syndrome. Last evaluated: 2024-02-24. Review status: criteria provided, single submitter. Criteria: Invitae Variant Classification Sherloc (09022015). Collection method: clinical testing. Allele origin: germline.
Comment: This sequence change replaces histidine, which is basic and polar, with arginine, which is basic and polar, at codon 18 of the TBX3 protein (p.His18Arg). This variant is present in population databases (rs778215802, gnomAD 0.009%). This variant has not been reported in the literature in individuals affected with TBX3-related conditions. An algorithm developed to predict the effect of missense changes on protein structure and function (PolyPhen-2) suggests that this variant is likely to be disruptive. In summary, the available evidence is currently insufficient to determine the role of this variant in disease. Therefore, it has been classified as a Variant of Uncertain Significance.